The following is an entry in ClinVar:

NM_001376.5(DYNC1H1):c.13516-16C>T

Gene: DYNC1H1 (dynein cytoplasmic 1 heavy chain 1; plus strand). Cytogenetic location: 14q32.31.
Variant type: single nucleotide variant.
Coding change: c.13516-16C>T on transcript NM_001376.5 (MANE Select); 16 bases into the intron before coding-DNA position 13516, C replaced by T.
Molecular consequence: intron variant.
Genome position (GRCh38, 1-based): chr14:102,049,698, C>T. VCF-style: chr14-102049698-C-T. GRCh37 (hg19) VCF-style: chr14-102516035-C-T.
Identifiers: ClinVar variation 379322 (VCV000379322.20), dbSNP rs28669726, ClinGen allele CA7354281.

ClinVar aggregate classification (germline): Benign/Likely benign. Review status: criteria provided, multiple submitters, no conflicts (2 of 4 stars). 5 submissions from 5 submitters: Benign (4); Likely benign (1). Last evaluated 2026-02-03.

Conditions:
Charcot-Marie-Tooth disease axonal type 2O. Also called: Charcot-Marie-Tooth Neuropathy Type 2O; CHARCOT-MARIE-TOOTH NEUROPATHY, AXONAL, TYPE 2O; CHARCOT-MARIE-TOOTH DISEASE, AXONAL, AUTOSOMAL DOMINANT, TYPE 2O; Charcot-Marie-Tooth disease, axonal, type 20. Identifiers: Orphanet 284232, MedGen C3280220, MONDO:0013644, OMIM 614228.

Allele frequency attached by ClinVar (database versions not stated): gnomAD exomes 0.00064 and 0.00159; ExAC 0.00204; gnomAD 0.00599 and 0.00656; 1000 Genomes Project 0.00639; 1000 Genomes Project 30x 0.00656; TOPMed 0.00714; ESP Exome Variant Server 0.00753.
gnomAD v4.1: 1,904 of 1,613,892 alleles (0.12%); highest among the groups gnomAD compares: African/African-American, 2.1%; 18 homozygotes.

Submissions (5):

Labcorp Genetics (formerly Invitae), Labcorp
Classification: Benign for Charcot-Marie-Tooth disease axonal type 2O. Last evaluated: 2026-02-03. Review status: criteria provided, single submitter. Criteria: Invitae Variant Classification Sherloc (09022015). Collection method: clinical testing. Allele origin: germline.

Genomic Medicine Center of Excellence, King Faisal Specialist Hospital and Research Centre
Classification: Likely benign. Last evaluated: 2025-08-18. Review status: criteria provided, single submitter. Criteria: ACMG Guidelines, 2015. Collection method: clinical testing. Allele origin: germline.

ARUP Laboratories, Molecular Genetics and Genomics, ARUP Laboratories
Classification: Benign. Last evaluated: 2025-03-17. Review status: criteria provided, single submitter. Criteria: ARUP Molecular Germline Variant Investigation Process 2024. Collection method: clinical testing. Allele origin: germline.

GeneDx
Classification: Benign. Last evaluated: 2016-01-25. Review status: criteria provided, single submitter. Criteria: GeneDx Variant Classification (06012015). Collection method: clinical testing. Allele origin: germline. Affected: yes.
Comment: This variant is considered likely benign or benign based on one or more of the following criteria: it is a conservative change, it occurs at a poorly conserved position in the protein, it is predicted to be benign by multiple in silico algorithms, and/or has population frequency not consistent with disease.

Breakthrough Genomics
Classification: Benign. Review status: criteria provided, single submitter. Criteria: ACMG Guidelines, 2015. Collection method: not provided. Allele origin: germline. Inheritance: Autosomal dominant inheritance. Affected: yes.